The following is an entry in ClinVar:

ClinVar aggregate classification (germline): Uncertain significance. Review status: criteria provided, multiple submitters, no conflicts (2 of 4 stars). 2 submissions from 2 submitters: Uncertain significance (2). Last evaluated 2025-08-07.

Allele frequency attached by ClinVar (database versions not stated): TOPMed below 0.00001; gnomAD exomes 0.00001; gnomAD 0.00001.

Submissions (2):

Mayo Clinic Laboratories, Mayo Clinic
Classification: Uncertain significance. Last evaluated: 2025-08-07. Review status: criteria provided, single submitter. Criteria: ACMG Guidelines, 2015. Collection method: clinical testing. Allele origin: germline. Observed: 1 variant allele.
Comment: BP4_moderate

Labcorp Genetics (formerly Invitae), Labcorp
Classification: Uncertain significance. Last evaluated: 2021-08-26. Review status: criteria provided, single submitter. Criteria: Invitae Variant Classification Sherloc (09022015). Collection method: clinical testing. Allele origin: germline.
Comment: This sequence change replaces methionine with threonine at codon 1390 of the MCM3AP protein (p.Met1390Thr). The methionine residue is moderately conserved and there is a moderate physicochemical difference between methionine and threonine. This variant is not present in population databases (ExAC no frequency). This variant has not been reported in the literature in individuals affected with MCM3AP-related conditions. Algorithms developed to predict the effect of missense changes on protein structure and function output the following: SIFT: "Tolerated"; PolyPhen-2: "Benign"; Align-GVGD: "Class C0". The threonine amino acid residue is found in multiple mammalian species, which suggests that this missense change does not adversely affect protein function. In summary, the available evidence is currently insufficient to determine the role of this variant in disease. Therefore, it has been classified as a Variant of Uncertain Significance.

NM_003906.5(MCM3AP):c.4169T>C (p.Met1390Thr)

Genes: MCM3AP (minichromosome maintenance complex component 3 associated protein; minus strand), MCM3AP-AS1 (MCM3AP antisense RNA 1; plus strand). Cytogenetic location: 21q22.3.
Variant type: single nucleotide variant.
Coding change: c.4169T>C on transcript NM_003906.5 (MANE Select); coding-DNA position 4169, T replaced by C.
Protein change: p.Met1390Thr; replaces methionine 1390 with threonine.
Molecular consequence: missense variant. On other transcripts: non-coding transcript variant (2).
Genome position (GRCh38, 1-based): chr21:46,251,650, A>G on the plus strand (T>C on the coding strand, the complement: MCM3AP is on the minus strand). VCF-style: chr21-46251650-A-G. GRCh37 (hg19) VCF-style: chr21-47671564-A-G.
Other names: p.Met1390Thr; short protein forms M1390T.
Identifiers: ClinVar variation 1417118 (VCV001417118.6), dbSNP rs1027831112, ClinGen allele CA321980038.
Genomic context (GRCh38, chr21:46,251,650, plus strand): 5'-GAAAGCGTCTGAATCCCACCAGCATCGCTGGATGTGTCATCCACTGAGCCTTCATCTCCC[A>G]TGAACTTGACTTTTAACCAATTTGCTAGAATTCTACAGATTTAAAAAAAACAAAAAACAA-3'
Protein context (NP_003897.2, residues 1380-1400): ILANWLKVKF[Met1390Thr]GDEGSVDDTS